The following is an entry in ClinVar:

ClinVar aggregate classification (germline): Pathogenic (1 of 4 stars; one submission).

Conditions:
Myopathy caused by variation in POMGNT1. Identifiers: MedGen CN305639, MONDO:0700068.

Submission:

Myriad Genetics, Inc.
Classification: Pathogenic for Myopathy caused by variation in POMGNT1. Last evaluated: 2023-08-31. Review status: criteria provided, single submitter. Criteria: Myriad Autosomal Dominant, Autosomal Recessive and X-Linked Classification Criteria (2023). Collection method: clinical testing. Allele origin: unknown.
Comment: NM_017739.3(POMGNT1):c.249_252del4ins21(L85Dfs*23) is expected to be pathogenic in the context of POMGNT1-related disorders. This variant is predicted to lead to an abnormal or absent protein product due to the creation of a premature termination codon in POMGNT1, a gene where loss-of-function variants are known to be pathogenic. Please note: this variant was assessed in the context of healthy population screening.

NM_017739.4(POMGNT1):c.249_252delinsAAGGGACAGGACCCAGTTTCT (p.Leu85fs)

Gene: POMGNT1 (protein O-linked mannose N-acetylglucosaminyltransferase 1 (beta 1,2-); minus strand). Cytogenetic location: 1p34.1.
Variant type: Indel.
Coding change: c.249_252delinsAAGGGACAGGACCCAGTTTCT on transcript NM_017739.4 (MANE Select); coding-DNA positions 249 to 252, CCGC replaced by AAGGGACAGGACCCAGTTTCT.
Protein change: p.Leu85fs; shifts the reading frame from leucine 85.
Molecular consequence: frameshift variant. On other transcripts: 5 prime UTR variant (1).
Genome position (GRCh38, 1-based): chr1:46,196,833-46,196,836, GCGG replaced by AGAAACTGGGTCCTGTCCCTT on the plus strand (CCGC replaced by AAGGGACAGGACCCAGTTTCT on the coding strand, the reverse complement: POMGNT1 is on the minus strand). VCF-style: chr1-46196833-GCGG-AGAAACTGGGTCCTGTCCCTT. GRCh37 (hg19) VCF-style: chr1-46662505-GCGG-AGAAACTGGGTCCTGTCCCTT.
Other names: c.249_252delinsAAGGGACAGGACCCAGTTTCT, p.Leu85fs (NM_001243766.2, NM_001410783.1, NM_001437653.1 and 3 more transcripts); c.183_186delinsAAGGGACAGGACCCAGTTTCT, p.Leu63fs (NM_001290129.3, NM_001438691.1, NM_001438692.1); c.-181_-178delinsAAGGGACAGGACCCAGTTTCT (NM_001290130.2); short protein forms L63fs, L85fs.
Identifiers: ClinVar variation 5011506 (VCV005011506.1).